The following is an entry in ClinVar:

ClinVar aggregate classification (germline): Benign/Likely benign. Review status: criteria provided, multiple submitters, no conflicts (2 of 4 stars). 3 submissions from 3 submitters: Benign (1); Likely benign (1). 1 of the submissions does not count toward it. Last evaluated 2024-11-01.

Conditions:
ENG-related disorder. Also called: ENG-related condition; ENG-related disorders.
Cardiovascular phenotype. Identifiers: MedGen CN230736.

Submissions (3):

CeGaT Center for Human Genetics Tuebingen
Classification: Likely benign. Last evaluated: 2024-11-01. Review status: criteria provided, single submitter. Criteria: CeGaT Center For Human Genetics Tuebingen Variant Classification Criteria Version 2. Collection method: clinical testing. Allele origin: germline. Affected: yes. Observed: 4 variant alleles.
Comment: ENG: BP4

Ambry Genetics
Classification: Benign for Cardiovascular phenotype. Last evaluated: 2023-11-27. Review status: criteria provided, single submitter. Criteria: Ambry Variant Classification Scheme 2023. Collection method: clinical testing. Allele origin: germline.

PreventionGenetics, part of Exact Sciences
Classification: Likely benign for ENG-related condition. Last evaluated: 2024-02-21. Review status: no assertion criteria provided. Collection method: clinical testing. Allele origin: germline. Not counted in ClinVar's aggregate classification.
Comment: This variant is classified as likely benign based on ACMG/AMP sequence variant interpretation guidelines (Richards et al. 2015 PMID: 25741868, with internal and published modifications).

NM_001114753.3(ENG):c.1853-8_1853-3del

Gene: ENG (endoglin; minus strand). Cytogenetic location: 9q34.11.
Variant type: Microsatellite.
Coding change: c.1853-8_1853-3del on transcript NM_001114753.3 (MANE Select); 8 bases into the intron before coding-DNA position 1853 through 3 bases into the intron before coding-DNA position 1853, 6 bases deleted (GCTCCC; older notation c.1853-8_1853-3delGCTCCC).
Molecular consequence: intron variant. On other transcripts: 3 prime UTR variant (1).
Genome position (GRCh38, 1-based): chr9:127,815,809-127,815,814, GGGAGC deleted on the plus strand (GCTCCC on the coding strand, the reverse complement: ENG is on the minus strand); deleting any 6 consecutive bases within chr9:127,815,809-127,815,823 gives the same sequence; the c. name uses the placement nearest the transcript's 3' end. VCF-style (leftmost placement, unchanged base first): chr9-127815808-TGGGAGC-T. GRCh37 (hg19) VCF-style: chr9-130578087-TGGGAGC-T.
Other names: c.*97GCTCCC[1] (NM_000118.4); c.1307-8_1307-3del (NM_001278138.2); c.1853-8_1853-3delGCTCCC (NM_001114753.1); c.1853-8_1853-3del6 (NM_001114753.2).
Identifiers: ClinVar variation 2499105 (VCV002499105.30), dbSNP rs373296026, ClinGen allele CA5252594.